The following is an entry in ClinVar:

NM_031220.4(PITPNM3):c.541G>A (p.Val181Ile)

Gene: PITPNM3 (PITPNM family member 3; minus strand). Cytogenetic location: 17p13.2.
Variant type: single nucleotide variant.
Coding change: c.541G>A on transcript NM_031220.4 (MANE Select); coding-DNA position 541, G replaced by A.
Protein change: p.Val181Ile; replaces valine 181 with isoleucine.
Molecular consequence: missense variant.
Genome position (GRCh38, 1-based): chr17:6,483,563, C>T on the plus strand (G>A on the coding strand, the complement: PITPNM3 is on the minus strand). VCF-style: chr17-6483563-C-T. GRCh37 (hg19) VCF-style: chr17-6386883-C-T.
Other names: c.433G>A, p.Val145Ile (NM_001165966.2); short protein forms V181I, V145I.
Identifiers: ClinVar variation 324761 (VCV000324761.45), dbSNP rs61755430, ClinGen allele CA8329802.
Genomic context (GRCh38, chr17:6,483,563, plus strand): 5'-AGAAATGGACTCACTGAGAGACAAGCGAGAAAGCCTCAGAGCAGATGGCAGGACAGGGGA[C>T]GAACTTGATGAGGATGTGGCCCAGGGCAGCAGGGAAATGGGCTCGTGTGACCTTCTCCAG-3'
Protein context (NP_112497.2, residues 171-191): AALGHILIKF[Val181Ile]PCPAICSEAF

ClinVar aggregate classification (germline): Benign/Likely benign. Review status: criteria provided, multiple submitters, no conflicts (2 of 4 stars). 7 submissions from 7 submitters: Benign (3); Likely benign (4). Last evaluated 2026-06-01.

Conditions:
Cone-rod dystrophy 5 (CORD5). Identifiers: Orphanet 1872, MedGen C1832976, MONDO:0010969, OMIM 600977.
Retinitis pigmentosa (RP). Identifiers: Orphanet 791, MedGen C0035334, MeSH D012174, MONDO:0019200, OMIM 268000. Inheritance: Autosomal dominant, autosomal recessive and X linked inheritance.

Allele frequency attached by ClinVar (database versions not stated): 1000 Genomes Project 0.00339; 1000 Genomes Project 30x 0.00344; ExAC 0.00568; gnomAD exomes 0.00569 and 0.00859; gnomAD 0.00613 and 0.00628; TOPMed 0.00702; ESP Exome Variant Server 0.00830.
gnomAD v4.1: 13,373 of 1,613,914 alleles (0.83%); highest among the groups gnomAD compares: Non-Finnish European, 1%; 68 homozygotes.

Submissions (7):

CeGaT Center for Human Genetics Tuebingen
Classification: Benign. Last evaluated: 2026-06-01. Review status: criteria provided, single submitter. Criteria: CeGaT Center For Human Genetics Tuebingen Variant Classification Criteria Version 2. Collection method: clinical testing. Allele origin: germline. Affected: yes. Observed: 7 variant alleles.
Comment: PITPNM3: BP4, BS1, BS2

Labcorp Genetics (formerly Invitae), Labcorp
Classification: Likely benign. Last evaluated: 2026-02-01. Review status: criteria provided, single submitter. Criteria: Invitae Variant Classification Sherloc (09022015). Collection method: clinical testing. Allele origin: germline.

Fulgent Genetics
Classification: Likely benign for Cone-rod dystrophy 5. Last evaluated: 2021-11-18. Review status: criteria provided, single submitter. Criteria: ACMG Guidelines, 2015. Collection method: clinical testing. Allele origin: unknown.

Mendelics
Classification: Likely benign for Retinitis pigmentosa. Last evaluated: 2019-05-28. Review status: criteria provided, single submitter. Criteria: Mendelics Assertion Criteria 2017. Collection method: clinical testing. Allele origin: unknown.

Illumina Laboratory Services, Illumina
Classification: Benign for Cone-rod dystrophy 5. Last evaluated: 2018-01-12. Review status: criteria provided, single submitter. Criteria: ICSL Variant Classification Criteria 13 December 2019. Collection method: clinical testing. Allele origin: germline.
Comment: This variant was observed in the ICSL laboratory as part of a predisposition screen in an ostensibly healthy population. It had not been previously curated by ICSL or reported in the Human Gene Mutation Database (HGMD: prior to June 1st, 2018), and was therefore a candidate for classification through an automated scoring system. Utilizing variant allele frequency, disease prevalence and penetrance estimates, and inheritance mode, an automated score was calculated to assess if this variant is too frequent to cause the disease. Based on the score and internal cut-off values, a variant classified as benign is not then subjected to further curation. The score for this variant resulted in a classification of benign for this disease.

Eurofins Ntd Llc (ga)
Classification: Benign. Last evaluated: 2016-09-28. Review status: criteria provided, single submitter. Criteria: EGL Classification Definitions 2015. Collection method: clinical testing. Allele origin: germline. Observed: 1 variant allele, 1 heterozygote.

Breakthrough Genomics
Classification: Likely benign. Review status: criteria provided, single submitter. Criteria: ACMG Guidelines, 2015. Collection method: not provided. Allele origin: germline. Inheritance: Autosomal dominant inheritance. Affected: yes.